The following is an entry in ClinVar:

ClinVar aggregate classification (germline): Uncertain significance (1 of 4 stars; one submission).

Conditions:
Arrhythmogenic right ventricular dysplasia 5. Also called: Arrhythmogenic Right Ventricular Dysplasia/Cardiomyopathy 5; ARRHYTHMOGENIC RIGHT VENTRICULAR DYSPLASIA, FAMILIAL, 5. Identifiers: MedGen C1858379, MONDO:0011459, OMIM 604400.

Submission:

Labcorp Genetics (formerly Invitae), Labcorp
Classification: Uncertain significance for Arrhythmogenic right ventricular dysplasia 5. Last evaluated: 2025-11-18. Review status: criteria provided, single submitter. Criteria: Invitae Variant Classification Sherloc (09022015). Collection method: clinical testing. Allele origin: germline.
Comment: This sequence change replaces tyrosine, which is neutral and polar, with serine, which is neutral and polar, at codon 145 of the TMEM43 protein (p.Tyr145Ser). This variant is not present in population databases (gnomAD no frequency). This variant has not been reported in the literature in individuals affected with TMEM43-related conditions. Invitae Evidence Modeling of protein sequence and biophysical properties (such as structural, functional, and spatial information, amino acid conservation, physicochemical variation, residue mobility, and thermodynamic stability) indicates that this missense variant is expected to disrupt TMEM43 protein function with a positive predictive value of 80%. In summary, the available evidence is currently insufficient to determine the role of this variant in disease. Therefore, it has been classified as a Variant of Uncertain Significance.

NM_024334.3(TMEM43):c.434A>C (p.Tyr145Ser)

Gene: TMEM43 (transmembrane protein 43; plus strand). Cytogenetic location: 3p25.1.
Variant type: single nucleotide variant.
Coding change: c.434A>C on transcript NM_024334.3 (MANE Select); coding-DNA position 434, A replaced by C.
Protein change: p.Tyr145Ser; replaces tyrosine 145 with serine.
Molecular consequence: missense variant.
Genome position (GRCh38, 1-based): chr3:14,132,587, A>C. VCF-style: chr3-14132587-A-C. GRCh37 (hg19) VCF-style: chr3-14174087-A-C.
Other names: c.434A>C, p.Tyr145Ser (NM_001407274.1, NM_001407275.1, NM_001407276.1 and 2 more transcripts); c.419A>C, p.Tyr140Ser (NM_001407278.1); c.284A>C, p.Tyr95Ser (NM_001407280.1); short protein forms Y140S, Y145S, Y95S.
Identifiers: ClinVar variation 4746922 (VCV004746922.1).
Genomic context (GRCh38, chr3:14,132,587, plus strand): 5'-TGCTTTGCTTTCCCTGCAGGGAGTACACCGAGGATGGGCAGGTGAAGAAGGAGACGAGGT[A>C]TTCCTACAGTGAGTGCTGGGCCCCTTACGTGGTCTCTGCCCATGGTGGGGGCCCACAGTG-3'
Protein context (NP_077310.1, residues 135-155): EDGQVKKETR[Tyr145Ser]SYNTEWRSEI